The following is an entry in ClinVar:

NM_004628.5(XPC):c.1531A>C (p.Lys511Gln)

Gene: XPC (XPC complex subunit, DNA damage recognition and repair factor; minus strand). Cytogenetic location: 3p25.1.
Variant type: single nucleotide variant.
Coding change: c.1531A>C on transcript NM_004628.5 (MANE Select); coding-DNA position 1531, A replaced by C.
Protein change: p.Lys511Gln; replaces lysine 511 with glutamine.
Molecular consequence: missense variant. On other transcripts: non-coding transcript variant (2).
Genome position (GRCh38, 1-based): chr3:14,158,352, T>G on the plus strand (A>C on the coding strand, the complement: XPC is on the minus strand). VCF-style: chr3-14158352-T-G. GRCh37 (hg19) VCF-style: chr3-14199852-T-G.
Other names: c.952A>C, p.Lys318Gln (NM_001354726.2); c.1531A>C, p.Lys511Gln (NM_001354727.2, NM_001354730.2); c.1513A>C, p.Lys505Gln (NM_001354729.2); short protein forms K511Q, K318Q, K505Q.
Identifiers: ClinVar variation 899765 (VCV000899765.6), dbSNP rs6413541, ClinGen allele CA2267416.

ClinVar aggregate classification (germline): Uncertain significance. Review status: criteria provided, multiple submitters, no conflicts (2 of 4 stars). 3 submissions from 3 submitters: Uncertain significance (3). Last evaluated 2026-07-30.

Conditions:
Xeroderma pigmentosum (XP). Identifiers: Orphanet 910, MedGen C0043346, MONDO:0019600.
Xeroderma pigmentosum, group C (XPC). Also called: XERODERMA PIGMENTOSUM III; XP, GROUP C; XPC-Related Xeroderma Pigmentosum; Xeroderma pigmentosum, complementation group C. Identifiers: Orphanet 910, MedGen C2752147, MONDO:0010211, OMIM 278720.

Allele frequency attached by ClinVar (database versions not stated): gnomAD exomes 0.00005 and 0.00013; ExAC 0.00016; 1000 Genomes Project 0.00040; 1000 Genomes Project 30x 0.00047; gnomAD 0.00048 and 0.00052; TOPMed 0.00055; ESP Exome Variant Server 0.00058.
gnomAD v4.1: 155 of 1,613,956 alleles (0.0096%); highest among the groups gnomAD compares: African/African-American, 0.19%; 1 homozygote.

Submissions (3):

Myriad Genetics, Inc.
Classification: Uncertain significance for Xeroderma pigmentosum, group C. Last evaluated: 2026-07-30. Review status: criteria provided, single submitter. Criteria: Myriad Autosomal Dominant, Autosomal Recessive and X-Linked Classification Criteria (2023). Collection method: clinical testing. Allele origin: unknown.
Comment: NM_004628.4(XPC):c.1531A>C(K511Q) is a missense variant classified as a variant of uncertain significance in the context of xeroderma pigmentosum group C. K511Q has not been observed in cases with relevant disease. Relevant functional assessments of this variant are not available in the literature. K511Q has been observed in referenced population frequency databases. In summary, there is insufficient evidence to classify NM_004628.4(XPC):c.1531A>C(K511Q) as pathogenic or benign. Please note: this variant was assessed in the context of healthy population screening.

Sema4
Classification: Uncertain significance for Xeroderma pigmentosum. Last evaluated: 2021-04-15. Review status: criteria provided, single submitter. Criteria: Sema4 Curation Guidelines. Collection method: curation. Allele origin: germline.
Comment: To the best of our knowledge, the XPC c.1531A>C (p.K511Q) variant has not been reported in individuals with XPC-related disease. It was observed in 43/24190 chromosomes of the African/African American subpopulation, with no homozygotes, in the large and broad cohorts of the Genome Aggregation Database (PMID: 32461654). The variant has been reported in ClinVar (Variation ID 899765). In silico tools suggest the impact of the variant on protein function is inconclusive though these predictions have not been confirmed by functional studies. The evidence is insufficient to meet ACMG/AMP criteria for classifying the variant as benign or pathogenic. Thus, the clinical significance of this variant is currently uncertain.

Illumina Laboratory Services, Illumina
Classification: Uncertain significance for Xeroderma pigmentosum, group C. Last evaluated: 2017-04-28. Review status: criteria provided, single submitter. Criteria: ICSL Variant Classification Criteria 13 December 2019. Collection method: clinical testing. Allele origin: germline.